The following is an entry in ClinVar:

ClinVar aggregate classification (germline): Uncertain significance (1 of 4 stars; one submission).

Conditions:
Inborn genetic diseases. Identifiers: MedGen C0950123, MeSH D030342.

gnomAD v4.1: 2 of 1,614,172 alleles (0.00012%); highest among the groups gnomAD compares: Non-Finnish European, 0.000085%; no homozygotes.

Submission:

Ambry Genetics
Classification: Uncertain significance for Inborn genetic diseases. Last evaluated: 2025-06-21. Review status: criteria provided, single submitter. Criteria: Ambry Variant Classification Scheme 2023. Collection method: clinical testing. Allele origin: germline.
Comment: The p.N156K variant (also known as c.468T>G), located in coding exon 3 of the ANKRD26 gene, results from a T to G substitution at nucleotide position 468. The asparagine at codon 156 is replaced by lysine, an amino acid with similar properties. This amino acid position is conserved. In addition, this alteration is predicted to be tolerated by in silico analysis. Based on the available evidence, the clinical significance of this variant remains unclear.

NM_014915.3(ANKRD26):c.468T>G (p.Asn156Lys)

Gene: ANKRD26 (ankyrin repeat domain containing 26; minus strand). Cytogenetic location: 10p12.1.
Variant type: single nucleotide variant.
Coding change: c.468T>G on transcript NM_014915.3 (MANE Select); coding-DNA position 468, T replaced by G.
Protein change: p.Asn156Lys; replaces asparagine 156 with lysine.
Molecular consequence: missense variant.
Genome position (GRCh38, 1-based): chr10:27,093,412, A>C on the plus strand (T>G on the coding strand, the complement: ANKRD26 is on the minus strand). VCF-style: chr10-27093412-A-C. GRCh37 (hg19) VCF-style: chr10-27382341-A-C.
Other names: c.468T>G, p.Asn156Lys (NM_001256053.2); short protein forms N156K.
Identifiers: ClinVar variation 4102866 (VCV004102866.1).
Genomic context (GRCh38, chr10:27,093,412, plus strand): 5'-GTTTTTTGCTTCAATATTTGCATCATACAAAAGCAGCTTTGTTGCTACTGATATGTCCTC[A>C]TTATAGACAGCATAGTGAAGAGCAGTGTTGCCATGGACATCCGCAAGATTTGGATCAGCA-3'
Protein context (NP_055730.2, residues 146-166): GNTALHYAVY[Asn156Lys]EDISVATKLL